The following is an entry in ClinVar:

NM_000521.4(HEXB):c.50T>A (p.Leu17Gln)

Gene: HEXB (hexosaminidase subunit beta; plus strand). Cytogenetic location: 5q13.3.
Variant type: single nucleotide variant.
Coding change: c.50T>A on transcript NM_000521.4 (MANE Select); coding-DNA position 50, T replaced by A.
Protein change: p.Leu17Gln; replaces leucine 17 with glutamine.
Molecular consequence: missense variant. On other transcripts: intron variant (1).
Genome position (GRCh38, 1-based): chr5:74,685,310, T>A. VCF-style: chr5-74685310-T-A. GRCh37 (hg19) VCF-style: chr5-73981135-T-A.
Other names: c.-376-4018T>A (NM_001292004.2); short protein forms L17Q.
Identifiers: ClinVar variation 2127592 (VCV002127592.4), dbSNP rs2478686211, ClinGen allele CA360062043.

ClinVar aggregate classification (germline): Uncertain significance (1 of 4 stars; one submission).

Conditions:
Sandhoff disease. Also called: Beta-hexosaminidase-beta-subunit deficiency; GM2 gangliosidosis, type 2; Total hexosaminidase deficiency; Sandhoff-Jatzkewitz-Pilz disease; GM2-GANGLIOSIDOSIS, TYPE II; HEXOSAMINIDASES A AND B DEFICIENCY. Identifiers: Orphanet 796, MedGen C0036161, MONDO:0010006, OMIM 268800.

Submission:

Labcorp Genetics (formerly Invitae), Labcorp
Classification: Uncertain significance for Sandhoff disease. Last evaluated: 2022-01-12. Review status: criteria provided, single submitter. Criteria: Invitae Variant Classification Sherloc (09022015). Collection method: clinical testing. Allele origin: germline.
Comment: In summary, the available evidence is currently insufficient to determine the role of this variant in disease. Therefore, it has been classified as a Variant of Uncertain Significance. Algorithms developed to predict the effect of sequence changes on RNA splicing suggest that this variant may create or strengthen a splice site. Advanced modeling of protein sequence and biophysical properties (such as structural, functional, and spatial information, amino acid conservation, physicochemical variation, residue mobility, and thermodynamic stability) performed at Invitae indicates that this missense variant is not expected to disrupt HEXB protein function. This variant has not been reported in the literature in individuals affected with HEXB-related conditions. This variant is not present in population databases (gnomAD no frequency). This sequence change replaces leucine, which is neutral and non-polar, with glutamine, which is neutral and polar, at codon 17 of the HEXB protein (p.Leu17Gln).